The following is an entry in ClinVar:

NM_006767.4(LZTR1):c.1585T>C (p.Tyr529His)

Gene: LZTR1 (leucine zipper like post translational regulator 1; plus strand). Cytogenetic location: 22q11.21.
Variant type: single nucleotide variant.
Coding change: c.1585T>C on transcript NM_006767.4 (MANE Select); coding-DNA position 1585, T replaced by C.
Protein change: p.Tyr529His; replaces tyrosine 529 with histidine.
Molecular consequence: missense variant.
Genome position (GRCh38, 1-based): chr22:20,994,239, T>C. VCF-style: chr22-20994239-T-C. GRCh37 (hg19) VCF-style: chr22-21348528-T-C.
Other names: short protein forms Y529H.
Identifiers: ClinVar variation 800844 (VCV000800844.2), dbSNP rs767374538, ClinGen allele CA410776134.

ClinVar aggregate classification (germline): Uncertain significance. Review status: criteria provided, single submitter (1 of 4 stars). 2 submissions from 2 submitters: Uncertain significance (1). 1 of the submissions does not count toward it. Last evaluated 2025-06-14.

Conditions:
Hereditary cancer-predisposing syndrome. Also called: Tumor predisposition; Neoplastic Syndromes, Hereditary; Hereditary Cancer Syndrome; Hereditary neoplastic syndrome. Identifiers: Orphanet 140162, MedGen C0027672, MeSH D009386, MONDO:0015356.
Cardiovascular phenotype. Identifiers: MedGen CN230736.
Noonan syndrome 10 (NS10). Identifiers: Orphanet 648, MedGen C4225280, MONDO:0014693, OMIM 616564.

Submissions (2):

Ambry Genetics
Classification: Uncertain significance for Cardiovascular phenotype; Hereditary cancer-predisposing syndrome. Last evaluated: 2025-06-14. Review status: criteria provided, single submitter. Criteria: Ambry Variant Classification Scheme 2023. Collection method: clinical testing. Allele origin: germline.
Comment: The p.Y529H variant (also known as c.1585T>C), located in coding exon 14 of the LZTR1 gene, results from a T to C substitution at nucleotide position 1585. The tyrosine at codon 529 is replaced by histidine, an amino acid with similar properties. This amino acid position is conserved. In addition, this alteration is predicted to be deleterious by in silico analysis. Based on the available evidence, the clinical significance of this variant remains unclear.

Biochemical Molecular Genetic Laboratory, King Abdulaziz Medical City
Classification: Uncertain significance for Noonan syndrome 10. Last evaluated: 2019-08-25. Review status: no assertion criteria provided. Collection method: clinical testing. Allele origin: germline. Affected: yes. Not counted in ClinVar's aggregate classification.